The following is an entry in ClinVar:

ClinVar aggregate classification (germline): Pathogenic. Review status: criteria provided, multiple submitters, no conflicts (2 of 4 stars). 2 submissions from 2 submitters: Pathogenic (2). Last evaluated 2023-06-06.

Submissions (2):

GeneDx
Classification: Pathogenic. Last evaluated: 2023-06-06. Review status: criteria provided, single submitter. Criteria: GeneDx Variant Classification Process June 2021. Collection method: clinical testing. Allele origin: germline. Affected: yes.
Comment: Damages or destroys the splice donor site in intron 32 and is expected to cause abnormal gene splicing; if the splicing outcome is exon skip, the loss of the encoded residues in the triple helical region is expected to disrupt normal protein folding and function, and this is an established mechanism of disease (HGMD); Reported in association with osteogenesis imperfecta (OI) (Marini et al., 2007); Not observed at significant frequency in large population cohorts (gnomAD); This variant is associated with the following publications: (PMID: 25525159, 17078022)

Eurofins Ntd Llc (ga)
Classification: Pathogenic. Last evaluated: 2014-12-23. Review status: criteria provided, single submitter. Criteria: EGL Classification Definitions 2015. Collection method: clinical testing. Allele origin: germline.

NM_000089.4(COL1A2):c.1971+1G>A

Gene: COL1A2 (collagen type I alpha 2 chain; plus strand). Cytogenetic location: 7q21.3.
Variant type: single nucleotide variant.
Coding change: c.1971+1G>A on transcript NM_000089.4 (MANE Select); the canonical splice donor site of the intron after coding-DNA position 1971, G replaced by A.
Molecular consequence: splice donor variant.
Genome position (GRCh38, 1-based): chr7:94,417,832, G>A. VCF-style: chr7-94417832-G-A. GRCh37 (hg19) VCF-style: chr7-94047144-G-A.
Identifiers: ClinVar variation 196726 (VCV000196726.6), dbSNP rs72658151, ClinGen allele CA275212.